The following is an entry in ClinVar:

ClinVar aggregate classification (germline): Pathogenic (1 of 4 stars; one submission).

Allele frequency attached by ClinVar (database versions not stated): gnomAD 0.00001; TOPMed 0.00002.

Submission:

Labcorp Genetics (formerly Invitae), Labcorp
Classification: Pathogenic. Last evaluated: 2024-01-29. Review status: criteria provided, single submitter. Criteria: Invitae Variant Classification Sherloc (09022015). Collection method: clinical testing. Allele origin: germline.
Comment: This sequence change creates a premature translational stop signal (p.Val1449Serfs*5) in the LOXHD1 gene. It is expected to result in an absent or disrupted protein product. Loss-of-function variants in LOXHD1 are known to be pathogenic (PMID: 19732867, 21465660, 25792669). This variant is not present in population databases (gnomAD no frequency). This variant has not been reported in the literature in individuals affected with LOXHD1-related conditions. ClinVar contains an entry for this variant (Variation ID: 1949649). For these reasons, this variant has been classified as Pathogenic.

Literature cited by the submitters: PubMed 19732867; PubMed 21465660; PubMed 25792669.

NM_001384474.1(LOXHD1):c.4345del (p.Val1449fs)

Gene: LOXHD1 (lipoxygenase homology PLAT domains 1; minus strand). Cytogenetic location: 18q21.1.
Variant type: Deletion.
Coding change: c.4345del on transcript NM_001384474.1 (MANE Select); coding-DNA position 4345, one base deleted (G; older notation c.4345delG).
Protein change: p.Val1449fs; shifts the reading frame from valine 1449.
Molecular consequence: frameshift variant.
Genome position (GRCh38, 1-based): chr18:46,533,192, C deleted on the plus strand (G on the coding strand, the reverse complement: LOXHD1 is on the minus strand). VCF-style (leftmost placement, unchanged base first): chr18-46533191-AC-A. GRCh37 (hg19) VCF-style: chr18-44113154-AC-A.
Other names: c.1012del, p.Val338fs (NM_001145472.3); c.724del, p.Val242fs (NM_001308013.2); c.4345del, p.Val1449fs (NM_144612.7); short protein forms V338fs, V1449fs, V242fs.
Identifiers: ClinVar variation 1949649 (VCV001949649.5), dbSNP rs1165494330, ClinGen allele CA779805888.